The following is an entry in ClinVar:

NM_004722.4(AP4M1):c.953G>A (p.Arg318Gln)

Gene: AP4M1 (adaptor related protein complex 4 subunit mu 1; plus strand). Cytogenetic location: 7q22.1.
Variant type: single nucleotide variant.
Coding change: c.953G>A on transcript NM_004722.4 (MANE Select); coding-DNA position 953, G replaced by A.
Protein change: p.Arg318Gln; replaces arginine 318 with glutamine.
Molecular consequence: missense variant.
Genome position (GRCh38, 1-based): chr7:100,105,982, G>A. VCF-style: chr7-100105982-G-A. GRCh37 (hg19) VCF-style: chr7-99703605-G-A.
Other names: c.974G>A, p.Arg325Gln (NM_001363671.2); short protein forms R318Q, R325Q.
Identifiers: ClinVar variation 450388 (VCV000450388.12), dbSNP rs531148057, ClinGen allele CA4374881.
Genomic context (GRCh38, chr7:100,105,982, plus strand): 5'-GATGGCCTGAGTCGTGGTGTTTTACCCTCTCATCCAGGCTCCAGGTTTATCTAAAGTTGC[G>A]ATGTGACCTGCTCTCAAAGAGGTAAGAGTGAGGCTGGCCTGGCTGAGTTCAGCTCTATGG-3'
Protein context (NP_004713.2, residues 308-328): SGRLQVYLKL[Arg318Gln]CDLLSKSQAL

ClinVar aggregate classification (germline): Conflicting classifications of pathogenicity. Review status: criteria provided, conflicting classifications (1 of 4 stars). 5 submissions from 5 submitters: Likely pathogenic (1); Uncertain significance (2); Likely benign (2). Last evaluated 2025-12-26.

Conditions:
Hereditary spastic paraplegia 50 (SPG50). Also called: Spastic paraplegia 50, autosomal recessive. Identifiers: Orphanet 280763, MedGen C2752008, MONDO:0013048, OMIM 612936.

Allele frequency attached by ClinVar (database versions not stated): gnomAD 0.00002 and 0.00010; TOPMed 0.00002; gnomAD exomes 0.00011 and 0.00029; 1000 Genomes Project 30x 0.00016; 1000 Genomes Project 0.00020; ExAC 0.00032.
gnomAD v4.1: 177 of 1,614,148 alleles (0.011%); highest among the groups gnomAD compares: South Asian, 0.18%; 2 homozygotes.

Submissions (5):

Labcorp Genetics (formerly Invitae), Labcorp
Classification: Likely benign for Hereditary spastic paraplegia 50. Last evaluated: 2025-12-26. Review status: criteria provided, single submitter. Criteria: Invitae Variant Classification Sherloc (09022015). Collection method: clinical testing. Allele origin: germline.

Laboratory for Molecular Medicine, Mass General Brigham Personalized Medicine
Classification: Likely benign. Last evaluated: 2023-12-18. Review status: criteria provided, single submitter. Criteria: ACMG Guidelines, 2015. Collection method: clinical testing. Allele origin: germline.
Comment: The p.Arg325Gln variant in AP4M1 is classified as likely benign because it has been identified in 1.8% (161/91076) of South Asian chromosomes by gnomAD, including 2 homozygotes (v.4.0.0). ACMG/AMP Criteria applied: BS1.

Fulgent Genetics
Classification: Uncertain significance for Hereditary spastic paraplegia 50. Last evaluated: 2018-10-31. Review status: criteria provided, single submitter. Criteria: ACMG Guidelines, 2015. Collection method: clinical testing. Allele origin: unknown.

GeneDx
Classification: Uncertain significance. Last evaluated: 2017-07-13. Review status: criteria provided, single submitter. Criteria: GeneDx Variant Classification (06012015). Collection method: clinical testing. Allele origin: germline. Affected: yes.
Comment: The R318Q variant in the AP4M1 gene has been reported previously in an individual with persistent stuttering (Raza et al., 2015). Although not observed in the homozygous state, this variant is observed in 35/16510 (0.21%) alleles from individuals of South Asian background in the ExAC dataset (Lek et al., 2016). The R318Q variant is a semi-conservative amino acid substitution, which may impact secondary protein structure as these residues differ in some properties. This substitution occurs at a position that is conserved across species. In silico analysis predicts this variant is probably damaging to the protein structure/function. We interpret R318Q as a variant of uncertain significance.

Diagnostics Division, CENTRE FOR DNA FINGERPRINTING AND DIAGNOSTICS
Classification: Likely pathogenic for Hereditary spastic paraplegia 50. Review status: criteria provided, single submitter. Criteria: ACMG Guidelines, 2015. Collection method: research. Allele origin: germline. Inheritance: Autosomal recessive inheritance. Affected: yes. Observed: 1 homozygote.